The following is an entry in ClinVar:

ClinVar aggregate classification (germline): Likely pathogenic (1 of 4 stars; one submission).

Conditions:
Peutz-Jeghers syndrome (PJS). Also called: Peutz-Jeghers polyposis; Periorificial lentiginosis syndrome; POLYPOSIS, HAMARTOMATOUS INTESTINAL; POLYPS-AND-SPOTS SYNDROME. Identifiers: Orphanet 2869, MedGen C0031269, MeSH D010580, MONDO:0008280, OMIM 175200.

Submission:

Labcorp Genetics (formerly Invitae), Labcorp
Classification: Likely pathogenic for Peutz-Jeghers syndrome. Last evaluated: 2025-02-19. Review status: criteria provided, single submitter. Criteria: Invitae Variant Classification Sherloc (09022015). Collection method: clinical testing. Allele origin: germline.
Comment: This sequence change replaces histidine, which is basic and polar, with proline, which is neutral and non-polar, at codon 174 of the STK11 protein (p.His174Pro). This variant is not present in population databases (gnomAD no frequency). This missense change has been observed in individuals with Peutz-Jeghers syndrome (PMID: 31515776, 36550395). It has also been observed to segregate with disease in related individuals. ClinVar contains an entry for this variant (Variation ID: 1716161). Invitae Evidence Modeling of protein sequence and biophysical properties (such as structural, functional, and spatial information, amino acid conservation, physicochemical variation, residue mobility, and thermodynamic stability) indicates that this missense variant is expected to disrupt STK11 protein function with a positive predictive value of 80%. In summary, the currently available evidence indicates that the variant is pathogenic, but additional data are needed to prove that conclusively. Therefore, this variant has been classified as Likely Pathogenic.

Literature cited by the submitters: PubMed 31515776; PubMed 36550395.

NM_000455.5(STK11):c.521A>C (p.His174Pro)

Gene: STK11 (serine/threonine kinase 11; plus strand). Cytogenetic location: 19p13.3.
Variant type: single nucleotide variant.
Coding change: c.521A>C on transcript NM_000455.5 (MANE Select); coding-DNA position 521, A replaced by C.
Protein change: p.His174Pro; replaces histidine 174 with proline.
Molecular consequence: missense variant.
Genome position (GRCh38, 1-based): chr19:1,220,429, A>C. VCF-style: chr19-1220429-A-C. GRCh37 (hg19) VCF-style: chr19-1220428-A-C.
Other names: c.521A>C, p.His174Pro (NM_001407255.1); short protein forms H174P.
Identifiers: ClinVar variation 1716161 (VCV001716161.5), dbSNP rs2145424331, ClinGen allele CA402948977.